The following is an entry in ClinVar:

NM_004656.4(BAP1):c.2124G>T (p.Arg708=)

Gene: BAP1 (BRCA1 associated deubiquitinase 1; minus strand). Cytogenetic location: 3p21.1.
Variant type: single nucleotide variant.
Coding change: c.2124G>T on transcript NM_004656.4 (MANE Select); coding-DNA position 2124, G replaced by T.
Protein change: p.Arg708=; no amino-acid change (arginine 708 retained).
Molecular consequence: synonymous variant.
Genome position (GRCh38, 1-based): chr3:52,402,354, C>A on the plus strand (G>T on the coding strand, the complement: BAP1 is on the minus strand). VCF-style: chr3-52402354-C-A. GRCh37 (hg19) VCF-style: chr3-52436370-C-A.
Other names: c.2070G>T, p.Arg690= (NM_001410772.1).
Identifiers: ClinVar variation 1786300 (VCV001786300.3), dbSNP rs1332999409, ClinGen allele CA433885924.
Genomic context (GRCh38, chr3:52,402,354, plus strand): 5'-GCGCTTGGCCTTGTAGGGGCGAGAGCGTTTCCGCCGGTCAGGCTTCCGCTGCTTGTGGAG[C>A]CGGCCGATGCTGACCCCTTGGCGCCGCCGCACGGAGATGTTCTGCTCCACTAGGTTGGCC-3'
Protein context (NP_004647.1, residues 698-718): VRRRQGVSIG[Arg708=]LHKQRKPDRR

ClinVar aggregate classification (germline): Benign/Likely benign. Review status: criteria provided, multiple submitters, no conflicts (2 of 4 stars). 2 submissions from 2 submitters: Benign (1); Likely benign (1). Last evaluated 2024-07-18.

Conditions:
Hereditary cancer-predisposing syndrome. Also called: Neoplastic Syndromes, Hereditary; Tumor predisposition; Hereditary Cancer Syndrome; Hereditary neoplastic syndrome. Identifiers: Orphanet 140162, MedGen C0027672, MeSH D009386, MONDO:0015356.
BAP1-related tumor predisposition syndrome (TPDS1). Also called: COMMON Syndrome; TUMOR PREDISPOSITION SYNDROME 1; BAP1 tumor predisposition syndrome; Tumor susceptibility linked to germline BAP1 mutations. Identifiers: Orphanet 289539, MedGen C3280492, MONDO:0013692, OMIM 614327.

Submissions (2):

Myriad Genetics, Inc.
Classification: Benign for BAP1-related tumor predisposition syndrome. Last evaluated: 2024-07-18. Review status: criteria provided, single submitter. Criteria: Myriad Autosomal Dominant, Autosomal Recessive and X-Linked Classification Criteria (2023). Collection method: clinical testing. Allele origin: unknown.
Comment: This variant is considered benign. This variant is a silent/synonymous amino acid change and it is not expected to impact splicing.

Ambry Genetics
Classification: Likely benign for Hereditary cancer-predisposing syndrome. Last evaluated: 2021-08-13. Review status: criteria provided, single submitter. Criteria: Ambry Variant Classification Scheme 2023. Collection method: clinical testing. Allele origin: germline.